The following is an entry in ClinVar:

ClinVar aggregate classification (germline): Uncertain significance (1 of 4 stars; one submission).

Conditions:
Congenital muscular hypertrophy-cerebral syndrome (CDLS2). Also called: Cornelia de Lange syndrome 2; SMC1A-Related Cornelia de Lange Syndrome. Identifiers: Orphanet 199, MedGen C1802395, MONDO:0010370, OMIM 300590.

Submission:

Labcorp Genetics (formerly Invitae), Labcorp
Classification: Uncertain significance for Congenital muscular hypertrophy-cerebral syndrome. Last evaluated: 2019-04-18. Review status: criteria provided, single submitter. Criteria: Invitae Variant Classification Sherloc (09022015). Collection method: clinical testing. Allele origin: germline.
Comment: This variant has not been reported in the literature in individuals with SMC1A-related conditions. In summary, the available evidence is currently insufficient to determine the role of this variant in disease. Therefore, it has been classified as a Variant of Uncertain Significance. Algorithms developed to predict the effect of sequence changes on RNA splicing suggest that this variant may create or strengthen a splice site, but this prediction has not been confirmed by published transcriptional studies. Algorithms developed to predict the effect of missense changes on protein structure and function output the following: SIFT: "Tolerated"; PolyPhen-2: "Benign"; Align-GVGD: "Class C0". The valine amino acid residue is found in multiple mammalian species, suggesting that this missense change does not adversely affect protein function. These predictions have not been confirmed by published functional studies and their clinical significance is uncertain. This variant is not present in population databases (ExAC no frequency). This sequence change replaces methionine with valine at codon 689 of the SMC1A protein (p.Met689Val). The methionine residue is moderately conserved and there is a small physicochemical difference between methionine and valine.

NM_006306.4(SMC1A):c.2065A>G (p.Met689Val)

Gene: SMC1A (structural maintenance of chromosomes 1A; minus strand). Cytogenetic location: Xp11.22.
Variant type: single nucleotide variant.
Coding change: c.2065A>G on transcript NM_006306.4 (MANE Select); coding-DNA position 2065, A replaced by G.
Protein change: p.Met689Val; replaces methionine 689 with valine.
Molecular consequence: missense variant.
Genome position (GRCh38, 1-based): chrX:53,405,143, T>C on the plus strand (A>G on the coding strand, the complement: SMC1A is on the minus strand). VCF-style: chrX-53405143-T-C. GRCh37 (hg19) VCF-style: chrX-53432075-T-C.
Other names: c.1999A>G, p.Met667Val (NM_001281463.1); short protein forms M689V, M667V.
Identifiers: ClinVar variation 951065 (VCV000951065.9), dbSNP rs2075686262, ClinGen allele CA413252032.